The following is an entry in ClinVar:

ClinVar aggregate classification (germline): Uncertain significance (1 of 4 stars; one submission).

Conditions:
Gastrointestinal stromal tumor. Also called: Gastrointestinal stromal tumor, somatic; Gastrointestinal stroma tumor. Identifiers: Orphanet 44890, MedGen C0238198, MeSH D046152, MONDO:0011719, OMIM 606764, HP:0100723.

Submission:

Labcorp Genetics (formerly Invitae), Labcorp
Classification: Uncertain significance for Gastrointestinal stromal tumor. Last evaluated: 2025-04-03. Review status: criteria provided, single submitter. Criteria: Invitae Variant Classification Sherloc (09022015). Collection method: clinical testing. Allele origin: germline.
Comment: This sequence change falls in intron 11 of the PDGFRA gene. It does not directly change the encoded amino acid sequence of the PDGFRA protein. This variant is not present in population databases (gnomAD no frequency). This variant has not been reported in the literature in individuals affected with PDGFRA-related conditions. Algorithms developed to predict the effect of sequence changes on RNA splicing suggest that this variant may disrupt the consensus splice site. In summary, the available evidence is currently insufficient to determine the role of this variant in disease. Therefore, it has been classified as a Variant of Uncertain Significance.

NM_006206.6(PDGFRA):c.1653+8T>G

Gene: PDGFRA (platelet derived growth factor receptor alpha; plus strand). Cytogenetic location: 4q12.
Variant type: single nucleotide variant.
Coding change: c.1653+8T>G on transcript NM_006206.6 (MANE Select); 8 bases into the intron after coding-DNA position 1653, T replaced by G.
Molecular consequence: intron variant.
Genome position (GRCh38, 1-based): chr4:54,274,633, T>G. VCF-style: chr4-54274633-T-G. GRCh37 (hg19) VCF-style: chr4-55140800-T-G.
Other names: c.1728+8T>G (NM_001347828.2); c.1653+8T>G (NM_001347827.2, NM_001347829.2); c.1692+8T>G (NM_001347830.2).
Identifiers: ClinVar variation 4716664 (VCV004716664.1).